The following is an entry in ClinVar:

NM_000352.6(ABCC8):c.1933del (p.Val645fs)

Gene: ABCC8 (ATP binding cassette subfamily C member 8; minus strand). Cytogenetic location: 11p15.1.
Variant type: Deletion.
Coding change: c.1933del on transcript NM_000352.6 (MANE Select); coding-DNA position 1933, one base deleted (G; older notation c.1933delG).
Protein change: p.Val645fs; shifts the reading frame from valine 645.
Molecular consequence: frameshift variant. On other transcripts: non-coding transcript variant (1).
Genome position (GRCh38, 1-based): chr11:17,428,396, C deleted on the plus strand (G on the coding strand, the reverse complement: ABCC8 is on the minus strand); the first of 3 consecutive C bases (chr11:17,428,396-17,428,398); deleting any one gives the same sequence. VCF-style (leftmost placement, unchanged base first): chr11-17428395-AC-A. GRCh37 (hg19) VCF-style: chr11-17449942-AC-A.
Other names: c.1933del, p.Val645fs (NM_001287174.3); c.1999del, p.Val667fs (NM_001351295.2); c.1930del, p.Val644fs (NM_001351296.2, NM_001351297.2); short protein forms V644fs, V667fs, V645fs.
Identifiers: ClinVar variation 2137018 (VCV002137018.5), dbSNP rs1360606629, ClinGen allele CA597904335.

ClinVar aggregate classification (germline): Pathogenic. Review status: criteria provided, multiple submitters, no conflicts (2 of 4 stars). 2 submissions from 2 submitters: Pathogenic (2). Last evaluated 2023-06-20.

Conditions:
Type 2 diabetes mellitus. Also called: Type II diabetes mellitus. Identifiers: MedGen C0011860, MeSH D003924, MONDO:0005148, OMIM 125853, HP:0005978.

Submissions (2):

Labcorp Genetics (formerly Invitae), Labcorp
Classification: Pathogenic. Last evaluated: 2023-06-20. Review status: criteria provided, single submitter. Criteria: Invitae Variant Classification Sherloc (09022015). Collection method: clinical testing. Allele origin: germline.
Comment: This sequence change creates a premature translational stop signal (p.Val645Leufs*2) in the ABCC8 gene. It is expected to result in an absent or disrupted protein product. Loss-of-function variants in ABCC8 are known to be pathogenic (PMID: 20685672, 23345197). For these reasons, this variant has been classified as Pathogenic. Algorithms developed to predict the effect of sequence changes on RNA splicing suggest that this variant may create or strengthen a splice site. ClinVar contains an entry for this variant (Variation ID: 2137018). This variant is also known as p.V645fs. This premature translational stop signal has been observed in individual(s) with ABCC8-related conditions (PMID: 28442472, 31264968). This variant is present in population databases (no rsID available, gnomAD 0.0009%).

Baylor Genetics
Classification: Pathogenic for Type 2 diabetes mellitus. Last evaluated: 2023-03-13. Review status: criteria provided, single submitter. Criteria: ACMG Guidelines, 2015. Collection method: clinical testing. Allele origin: unknown.

Literature cited by the submitters: PubMed 20685672 (cited by Labcorp Genetics (formerly Invitae), Labcorp); PubMed 23345197 (cited by Labcorp Genetics (formerly Invitae), Labcorp); PubMed 28442472 (cited by Labcorp Genetics (formerly Invitae), Labcorp); PubMed 31264968 (cited by Labcorp Genetics (formerly Invitae), Labcorp).